The following is an entry in ClinVar:

NM_000051.4(ATM):c.2456G>C (p.Cys819Ser)

Gene: ATM (ATM serine/threonine kinase; plus strand). Cytogenetic location: 11q22.3.
Variant type: single nucleotide variant.
Coding change: c.2456G>C on transcript NM_000051.4 (MANE Select); coding-DNA position 2456, G replaced by C.
Protein change: p.Cys819Ser; replaces cysteine 819 with serine.
Molecular consequence: missense variant.
Genome position (GRCh38, 1-based): chr11:108,259,065, G>C. VCF-style: chr11-108259065-G-C. GRCh37 (hg19) VCF-style: chr11-108129792-G-C.
Other names: c.2456G>C, p.Cys819Ser (NM_001351834.2); short protein forms C819S.
Identifiers: ClinVar variation 5032323 (VCV005032323.1).

ClinVar aggregate classification (germline): Uncertain significance (1 of 4 stars; one submission).

Conditions:
Hereditary cancer-predisposing syndrome. Also called: Neoplastic Syndromes, Hereditary; Tumor predisposition; Hereditary neoplastic syndrome; Hereditary Cancer Syndrome. Identifiers: Orphanet 140162, MedGen C0027672, MeSH D009386, MONDO:0015356.

Submission:

Ambry Genetics
Classification: Uncertain significance for Hereditary cancer-predisposing syndrome. Last evaluated: 2026-09-14. Review status: criteria provided, single submitter. Criteria: Ambry Variant Classification Scheme 2023. Collection method: clinical testing. Allele origin: germline.
Comment: The p.C819S variant (also known as c.2456G>C), located in coding exon 15 of the ATM gene, results from a G to C substitution at nucleotide position 2456. The cysteine at codon 819 is replaced by serine, an amino acid with dissimilar properties. In an assay testing ATM function, this variant showed a functionally normal result (Lee KS et al. Cell, 2025 Sep;188:5081-5099.e27). This amino acid position is highly conserved in available vertebrate species. In addition, the in silico prediction for this alteration is inconclusive. Based on the available evidence, the clinical significance of this variant remains unclear.

Literature cited by the submitters: PubMed 40580951.